The following is an entry in ClinVar:

ClinVar aggregate classification (germline): Pathogenic. Review status: criteria provided, single submitter (1 of 4 stars). 2 submissions from 2 submitters: Pathogenic (1). 1 of the submissions does not count toward it. Last evaluated 2023-03-19.

Conditions:
Van Maldergem syndrome 2 (VMLDS2). Identifiers: Orphanet 314679, MedGen C3809875, MONDO:0014242, OMIM 615546.

gnomAD v4.1: 1 of 1,613,950 alleles (0.000062%); highest among the groups gnomAD compares: East Asian, 0.0022%; no homozygotes.

Submissions (2):

Labcorp Genetics (formerly Invitae), Labcorp
Classification: Pathogenic. Last evaluated: 2023-03-19. Review status: criteria provided, single submitter. Criteria: Invitae Variant Classification Sherloc (09022015). Collection method: clinical testing. Allele origin: germline.
Comment: For these reasons, this variant has been classified as Pathogenic. ClinVar contains an entry for this variant (Variation ID: 89009). This premature translational stop signal has been observed in individual(s) with Van Maldergem syndrome (VMS) (PMID: 24056717). This variant is not present in population databases (gnomAD no frequency). This sequence change creates a premature translational stop signal (p.Arg3819*) in the FAT4 gene. It is expected to result in an absent or disrupted protein product. Loss-of-function variants in FAT4 are known to be pathogenic (PMID: 24056717, 24913602).

OMIM
Classification: Pathogenic for VAN MALDERGEM SYNDROME 2. Last evaluated: 2013-11-01. Review status: no assertion criteria provided. Collection method: literature only. Allele origin: germline. Not counted in ClinVar's aggregate classification.

Literature cited by the submitters: PubMed 24056717 (cited by Labcorp Genetics (formerly Invitae), Labcorp and OMIM); PubMed 24913602 (cited by Labcorp Genetics (formerly Invitae), Labcorp).

NM_001291303.3(FAT4):c.11461C>T (p.Arg3821Ter)

Gene: FAT4 (FAT atypical cadherin 4; plus strand). Cytogenetic location: 4q28.1.
Variant type: single nucleotide variant.
Coding change: c.11461C>T on transcript NM_001291303.3 (MANE Select); coding-DNA position 11461, C replaced by T.
Protein change: p.Arg3821Ter; replaces arginine 3821 with a stop codon.
Molecular consequence: nonsense.
Genome position (GRCh38, 1-based): chr4:125,452,471, C>T. VCF-style: chr4-125452471-C-T. GRCh37 (hg19) VCF-style: chr4-126373626-C-T.
Other names: c.11461C>T, p.Arg3821Ter (NM_001291285.3); c.11455C>T, p.Arg3819Ter (NM_024582.6); short protein forms R3819*, R3821*.
Identifiers: ClinVar variation 89009 (VCV000089009.8), dbSNP rs398122957, ClinGen allele CA145429.